The following is an entry in ClinVar:

NM_000051.4(ATM):c.5930T>C (p.Phe1977Ser)

Genes: ATM (ATM serine/threonine kinase; plus strand), C11orf65 (chromosome 11 open reading frame 65; minus strand). Cytogenetic location: 11q22.3.
Variant type: single nucleotide variant.
Coding change: c.5930T>C on transcript NM_000051.4 (MANE Select); coding-DNA position 5930, T replaced by C.
Protein change: p.Phe1977Ser; replaces phenylalanine 1977 with serine.
Molecular consequence: missense variant. On other transcripts: intron variant (2).
Genome position (GRCh38, 1-based): chr11:108,312,422, T>C. VCF-style: chr11-108312422-T-C. GRCh37 (hg19) VCF-style: chr11-108183149-T-C.
Other names: p.Phe1977Ser; c.5930T>C, p.Phe1977Ser (NM_001351834.2); c.641-3351A>G (NM_001330368.2); c.*39-3351A>G (NM_001351110.2); short protein forms F1977S.
Identifiers: ClinVar variation 490633 (VCV000490633.17), dbSNP rs780867575, ClinGen allele CA6265807.

ClinVar aggregate classification (germline): Uncertain significance. Review status: criteria provided, multiple submitters, no conflicts (2 of 4 stars). 5 submissions from 5 submitters: Uncertain significance (5). Last evaluated 2025-11-17.

Conditions:
Hereditary cancer-predisposing syndrome. Also called: Neoplastic Syndromes, Hereditary; Hereditary Cancer Syndrome; Tumor predisposition; Hereditary neoplastic syndrome. Identifiers: Orphanet 140162, MedGen C0027672, MeSH D009386, MONDO:0015356.
Familial cancer of breast. Also called: Hereditary breast cancer; BREAST CANCER, FAMILIAL; hereditary breast carcinoma. Identifiers: Orphanet 227535, MedGen C0346153, MONDO:0016419, OMIM 114480. Disease mechanism: loss of function.
Ataxia-telangiectasia syndrome (AT). Also called: LOUIS-BAR SYNDROME; Cerebello-oculocutaneous telangiectasia; Immunodeficiency with ataxia telangiectasia; Ataxia-telangiectasia, complementation group D; AT, COMPLEMENTATION GROUP C; Ataxia-telangiectasia, complementation group E. Identifiers: Orphanet 100, MedGen C0004135, MONDO:0008840, OMIM 208900.

Allele frequency attached by ClinVar (database versions not stated): gnomAD exomes below 0.00001 and 0.00001; ExAC 0.00001; gnomAD 0.00001; TOPMed 0.00002.
gnomAD v4.1: 7 of 1,593,978 alleles (0.00044%); highest among the groups gnomAD compares: Non-Finnish European, 0.0006%; no homozygotes.

Submissions (5):

Labcorp Genetics (formerly Invitae), Labcorp
Classification: Uncertain significance for Ataxia-telangiectasia syndrome. Last evaluated: 2025-11-17. Review status: criteria provided, single submitter. Criteria: Invitae Variant Classification Sherloc (09022015). Collection method: clinical testing. Allele origin: germline.
Comment: This sequence change replaces phenylalanine, which is neutral and non-polar, with serine, which is neutral and polar, at codon 1977 of the ATM protein (p.Phe1977Ser). This variant is present in population databases (rs780867575, gnomAD 0.002%). This variant has not been reported in the literature in individuals affected with ATM-related conditions. ClinVar contains an entry for this variant (Variation ID: 490633). Invitae Evidence Modeling of protein sequence and biophysical properties (such as structural, functional, and spatial information, amino acid conservation, physicochemical variation, residue mobility, and thermodynamic stability) indicates that this missense variant is not expected to disrupt ATM protein function with a negative predictive value of 95%. In summary, the available evidence is currently insufficient to determine the role of this variant in disease. Therefore, it has been classified as a Variant of Uncertain Significance.

Ambry Genetics
Classification: Uncertain significance for Hereditary cancer-predisposing syndrome. Last evaluated: 2025-06-12. Review status: criteria provided, single submitter. Criteria: Ambry Variant Classification Scheme 2023. Collection method: clinical testing. Allele origin: germline.
Comment: The p.F1977S variant (also known as c.5930T>C), located in coding exon 39 of the ATM gene, results from a T to C substitution at nucleotide position 5930. The phenylalanine at codon 1977 is replaced by serine, an amino acid with highly dissimilar properties. This alteration has been reported with a carrier frequency of 0 in 7051 unselected breast cancer patients and 0.00009 in 11241 female controls of Japanese ancestry (Momozawa Y et al. Nat Commun, 2018 Oct;9:4083). This amino acid position is highly conserved in available vertebrate species. In addition, this alteration is predicted to be tolerated by in silico analysis. Based on the available evidence, the clinical significance of this variant remains unclear.

Color Diagnostics, LLC DBA Color Health
Classification: Uncertain significance for Hereditary cancer-predisposing syndrome. Last evaluated: 2025-03-31. Review status: criteria provided, single submitter. Criteria: ACMG Guidelines, 2015. Collection method: clinical testing. Allele origin: germline.
Comment: This missense variant replaces phenylalanine with serine at codon 1977 of the ATM protein. Computational prediction suggests that this variant may not impact protein structure and function. To our knowledge, functional studies have not been reported for this variant. This variant has not been reported in individuals affected with ATM-related disorders in the literature. This variant has been identified in 3/282584 chromosomes in the general population by the Genome Aggregation Database (gnomAD). The available evidence is insufficient to determine the role of this variant in disease conclusively. Therefore, this variant is classified as a Variant of Uncertain Significance.

Mayo Clinic Laboratories, Mayo Clinic
Classification: Uncertain significance. Last evaluated: 2023-11-15. Review status: criteria provided, single submitter. Criteria: ACMG Guidelines, 2015. Collection method: clinical testing. Allele origin: germline. Observed: 1 variant allele.
Comment: BP4

Baylor Genetics
Classification: Uncertain significance for Familial cancer of breast. Last evaluated: 2023-04-24. Review status: criteria provided, single submitter. Criteria: ACMG Guidelines, 2015. Collection method: clinical testing. Allele origin: unknown.

Literature cited by the submitters: PubMed 30287823 (cited by Ambry Genetics and Mayo Clinic Laboratories, Mayo Clinic); PubMed 36243179 (cited by Mayo Clinic Laboratories, Mayo Clinic).